The following is an entry in ClinVar:

ClinVar aggregate classification (germline): Uncertain significance (1 of 4 stars; one submission).

Allele frequency attached by ClinVar (database versions not stated): ExAC 0.00003; gnomAD 0.00003; TOPMed 0.00005.
gnomAD v4.1: 32 of 1,614,040 alleles (0.002%); highest among the groups gnomAD compares: Middle Eastern, 0.016%; no homozygotes.

Submission:

Labcorp Genetics (formerly Invitae), Labcorp
Classification: Uncertain significance. Last evaluated: 2022-02-11. Review status: criteria provided, single submitter. Criteria: Invitae Variant Classification Sherloc (09022015). Collection method: clinical testing. Allele origin: germline.
Comment: This sequence change replaces arginine, which is basic and polar, with tryptophan, which is neutral and slightly polar, at codon 1139 of the SKIV2L protein (p.Arg1139Trp). This variant is present in population databases (rs567780944, gnomAD 0.01%). This variant has not been reported in the literature in individuals affected with SKIV2L-related conditions. Algorithms developed to predict the effect of missense changes on protein structure and function are either unavailable or do not agree on the potential impact of this missense change (SIFT: "Deleterious"; PolyPhen-2: "Possibly Damaging"; Align-GVGD: "Class C0"). In summary, the available evidence is currently insufficient to determine the role of this variant in disease. Therefore, it has been classified as a Variant of Uncertain Significance.

NM_006929.5(SKIC2):c.3415C>T (p.Arg1139Trp)

Gene: SKIC2 (SKI2 subunit of superkiller complex; plus strand). Cytogenetic location: 6p21.33.
Variant type: single nucleotide variant.
Coding change: c.3415C>T on transcript NM_006929.5 (MANE Select); coding-DNA position 3415, C replaced by T.
Protein change: p.Arg1139Trp; replaces arginine 1139 with tryptophan.
Molecular consequence: missense variant.
Genome position (GRCh38, 1-based): chr6:31,969,295, C>T. VCF-style: chr6-31969295-C-T. GRCh37 (hg19) VCF-style: chr6-31937072-C-T.
Other names: short protein forms R1139W.
Identifiers: ClinVar variation 1936991 (VCV001936991.2), dbSNP rs567780944, ClinGen allele CA3730058.